The following is an entry in ClinVar:

ClinVar aggregate classification (germline): Pathogenic. Review status: reviewed by expert panel (3 of 4 stars). 2 submissions from 2 submitters: Pathogenic (1). 1 of the submissions does not count toward it. Last evaluated 2021-03-01.

Conditions:
Angelman syndrome (AS). Also called: HAPPY PUPPET SYNDROME. Identifiers: Orphanet 72, MedGen C0162635, MONDO:0007113, OMIM 105830. Disease mechanism: loss of function. Inheritance: AS is caused by disruption of maternally imprinted UBE3A located within the 15q11.2-q13 Angelman syndrome/Prader-Willi syndrome (AS/PWS) region., imprinting disorder.

Submissions (2):

ClinGen Rett and Angelman-like Disorders Variant Curation Expert Panel
Classification: Pathogenic for Angelman syndrome. Last evaluated: 2021-03-01. Review status: reviewed by expert panel. Criteria: ClinGen RettAS ACMG Specifications V1. Collection method: curation. Allele origin: germline. Inheritance: Autosomal dominant inheritance.
Comment: The p.Ser189Ter variant in UBE3A is predicted to cause a premature stop codon that leads to a truncated or absent protein in a gene where loss-of-function is an established mechanism. There is significant evidence that loss of this region of the gene is pathogenic (PVS1). This variant is absent from gnomAD (PM2_supporting). In summary, the p.Ser189Ter variant in UBE3A is classified as Pathogenic for Angelman syndrome based on the ACMG/AMP criteria (PVS1, PM2_supporting, PP4).

GeneDx
Classification: Pathogenic. Last evaluated: 2018-07-31. Review status: criteria provided, single submitter. Criteria: GeneDx Variant Classification (06012015). Collection method: clinical testing. Allele origin: germline. Affected: yes. Not counted in ClinVar's aggregate classification.
Comment: The S189X variant in the UBE3A gene has not been reported previously as a pathogenic variant nor as a benign variant, to our knowledge. This variant is predicted to cause loss of normal protein function either through protein truncation or nonsense-mediated mRNA decay. The S189X variant is not observed in large population cohorts (Lek et al., 2016). We interpret S189X as a pathogenic variant.

NM_130839.5(UBE3A):c.626C>G (p.Ser209Ter)

Genes: SNHG14 (small nucleolar RNA host gene 14; plus strand), UBE3A (ubiquitin protein ligase E3A; minus strand). Cytogenetic location: 15q11.2.
Variant type: single nucleotide variant.
Coding change: c.626C>G on transcript NM_130839.5 (MANE Select); coding-DNA position 626, C replaced by G.
Protein change: p.Ser209Ter; replaces serine 209 with a stop codon.
Molecular consequence: nonsense. On other transcripts: non-coding transcript variant (1), intron variant (2).
Genome position (GRCh38, 1-based): chr15:25,371,548, G>C on the plus strand (C>G on the coding strand, the complement: UBE3A is on the minus strand). VCF-style: chr15-25371548-G-C. GRCh37 (hg19) VCF-style: chr15-25616695-G-C.
Other names: c.635C>G, p.Ser212Ter (NM_000462.5); c.626C>G, p.Ser209Ter (NM_001354505.1, NM_001354538.2, NM_001354545.2); c.566C>G, p.Ser189Ter (NM_001354506.2, NM_001354507.2, NM_001354508.2 and 17 more transcripts); c.449C>G, p.Ser150Ter (NM_001354546.2); c.301+3917C>G (NM_001354551.2); c.361+3917C>G (NM_001354550.2); short protein forms S189*, S150*, S212*, S209*.
Identifiers: ClinVar variation 620293 (VCV000620293.4), dbSNP rs1566961418, ClinGen allele CA391355426.
Genomic context (GRCh38, chr15:25,371,548, plus strand): 5'-ACATCATCAGGGCCTAATTTTTGCAAATTGTTGTCTCCCTGTGAGCTATCACCTATCCTT[G>C]AGGAAGATGCTTCTGAGTCTTCTTCCATAGCAGCAGCAGAACATGCAGCTTTTTCCTTTT-3'